The following is an entry in ClinVar:

ClinVar aggregate classification (germline): Uncertain significance (1 of 4 stars; one submission).

Conditions:
Hermansky-Pudlak syndrome 2 (HPS2). Also called: Platelet defects and oculocutaneous albinism. Identifiers: Orphanet 183678, Orphanet 79430, MedGen C1842362, MONDO:0011997, OMIM 608233.

Allele frequency attached by ClinVar (database versions not stated): ExAC 0.00004; gnomAD exomes 0.00004; gnomAD 0.00005 and 0.00006; TOPMed 0.00005; ESP Exome Variant Server 0.00008.
gnomAD v4.1: 148 of 1,611,988 alleles (0.0092%); highest among the groups gnomAD compares: Non-Finnish European, 0.012%; no homozygotes.

Submission:

Labcorp Genetics (formerly Invitae), Labcorp
Classification: Uncertain significance for Hermansky-Pudlak syndrome 2. Last evaluated: 2022-02-11. Review status: criteria provided, single submitter. Criteria: Invitae Variant Classification Sherloc (09022015). Collection method: clinical testing. Allele origin: germline.
Comment: This sequence change replaces glutamic acid, which is acidic and polar, with lysine, which is basic and polar, at codon 275 of the AP3B1 protein (p.Glu275Lys). This variant is present in population databases (rs140209190, gnomAD 0.008%). This variant has not been reported in the literature in individuals affected with AP3B1-related conditions. ClinVar contains an entry for this variant (Variation ID: 643862). Algorithms developed to predict the effect of missense changes on protein structure and function (SIFT, PolyPhen-2, Align-GVGD) all suggest that this variant is likely to be tolerated. In summary, the available evidence is currently insufficient to determine the role of this variant in disease. Therefore, it has been classified as a Variant of Uncertain Significance.

NM_003664.5(AP3B1):c.823G>A (p.Glu275Lys)

Gene: AP3B1 (adaptor related protein complex 3 subunit beta 1; minus strand). Cytogenetic location: 5q14.1.
Variant type: single nucleotide variant.
Coding change: c.823G>A on transcript NM_003664.5 (MANE Select); coding-DNA position 823, G replaced by A.
Protein change: p.Glu275Lys; replaces glutamic acid 275 with lysine.
Molecular consequence: missense variant.
Genome position (GRCh38, 1-based): chr5:78,181,626, C>T on the plus strand (G>A on the coding strand, the complement: AP3B1 is on the minus strand). VCF-style: chr5-78181626-C-T. GRCh37 (hg19) VCF-style: chr5-77477450-C-T.
Other names: c.676G>A, p.Glu226Lys (NM_001271769.2); short protein forms E226K, E275K.
Identifiers: ClinVar variation 643862 (VCV000643862.8), dbSNP rs140209190, ClinGen allele CA3317281.
Genomic context (GRCh38, chr5:78,181,626, plus strand): 5'-GATCCATAGTATACGGCTTCTTCTTTTTGTCAGTCTTTTCCTTCTGATCATCATCAGATT[C>T]GTAGAAATTCTTTCCATTGTCTTCTAATTCATCACCCTACAATGAAAGAAATCCAACCCA-3'
Protein context (NP_003655.3, residues 265-285): ELEDNGKNFY[Glu275Lys]SDDDQKEKTD